The following is an entry in ClinVar:

NM_152564.5(VPS13B):c.762+1G>A

Gene: VPS13B (vacuolar protein sorting 13 homolog B; plus strand). Cytogenetic location: 8q22.2.
Variant type: single nucleotide variant.
Coding change: c.762+1G>A on transcript NM_152564.5 (MANE Select); the canonical splice donor site of the intron after coding-DNA position 762, G replaced by A.
Molecular consequence: splice donor variant.
Genome position (GRCh38, 1-based): chr8:99,111,280, G>A. VCF-style: chr8-99111280-G-A. GRCh37 (hg19) VCF-style: chr8-100123508-G-A.
Other names: c.762+1G>A (NM_017890.5, NM_015243.3, NM_181661.3).
Identifiers: ClinVar variation 2718664 (VCV002718664.3), dbSNP rs2488672772, ClinGen allele CA371860330.

ClinVar aggregate classification (germline): Likely pathogenic (1 of 4 stars; one submission).

Conditions:
Cohen syndrome (COH1). Also called: Cutis verticis gyrata, retinitis pigmentosa, and sensorineural deafness; PEPPER SYNDROME. Identifiers: Orphanet 193, MedGen C0265223, MONDO:0008999, OMIM 216550.

Submission:

Labcorp Genetics (formerly Invitae), Labcorp
Classification: Likely pathogenic for Cohen syndrome. Last evaluated: 2023-06-17. Review status: criteria provided, single submitter. Criteria: Invitae Variant Classification Sherloc (09022015). Collection method: clinical testing. Allele origin: germline.
Comment: This sequence change affects a donor splice site in intron 6 of the VPS13B gene. It is expected to disrupt RNA splicing. Variants that disrupt the donor or acceptor splice site typically lead to a loss of protein function (PMID: 16199547), and loss-of-function variants in VPS13B are known to be pathogenic (PMID: 15141358, 16648375, 20461111). This variant is not present in population databases (gnomAD no frequency). This variant has not been reported in the literature in individuals affected with VPS13B-related conditions. Algorithms developed to predict the effect of sequence changes on RNA splicing suggest that this variant may disrupt the consensus splice site. In summary, the currently available evidence indicates that the variant is pathogenic, but additional data are needed to prove that conclusively. Therefore, this variant has been classified as Likely Pathogenic.

Literature cited by the submitters: PubMed 16199547; PubMed 15141358; PubMed 16648375; PubMed 20461111.